The following is an entry in ClinVar:

NM_024675.4(PALB2):c.2903C>T (p.Ala968Val)

Gene: PALB2 (partner and localizer of BRCA2; minus strand). Cytogenetic location: 16p12.2.
Variant type: single nucleotide variant.
Coding change: c.2903C>T on transcript NM_024675.4 (MANE Select); coding-DNA position 2903, C replaced by T.
Protein change: p.Ala968Val; replaces alanine 968 with valine.
Molecular consequence: missense variant.
Genome position (GRCh38, 1-based): chr16:23,623,062, G>A on the plus strand (C>T on the coding strand, the complement: PALB2 is on the minus strand). VCF-style: chr16-23623062-G-A. GRCh37 (hg19) VCF-style: chr16-23634383-G-A.
Other names: short protein forms A968V.
Identifiers: ClinVar variation 639071 (VCV000639071.7), dbSNP rs369132015, ClinGen allele CA395144253.

ClinVar aggregate classification (germline): Uncertain significance (1 of 4 stars; one submission).

Conditions:
Familial cancer of breast. Also called: BREAST CANCER, FAMILIAL; hereditary breast carcinoma; Hereditary breast cancer. Identifiers: Orphanet 227535, MedGen C0346153, MONDO:0016419, OMIM 114480. Disease mechanism: loss of function.

Submission:

Labcorp Genetics (formerly Invitae), Labcorp
Classification: Uncertain significance for Familial cancer of breast. Last evaluated: 2024-05-29. Review status: criteria provided, single submitter. Criteria: Invitae Variant Classification Sherloc (09022015). Collection method: clinical testing. Allele origin: germline.
Comment: This sequence change replaces alanine, which is neutral and non-polar, with valine, which is neutral and non-polar, at codon 968 of the PALB2 protein (p.Ala968Val). This variant is not present in population databases (gnomAD no frequency). This variant has not been reported in the literature in individuals affected with PALB2-related conditions. ClinVar contains an entry for this variant (Variation ID: 639071). Advanced modeling of protein sequence and biophysical properties (such as structural, functional, and spatial information, amino acid conservation, physicochemical variation, residue mobility, and thermodynamic stability) performed at Invitae indicates that this missense variant is expected to disrupt PALB2 protein function with a positive predictive value of 80%. In summary, the available evidence is currently insufficient to determine the role of this variant in disease. Therefore, it has been classified as a Variant of Uncertain Significance.